The following is an entry in ClinVar:

NM_021814.5(ELOVL5):c.430G>A (p.Val144Ile)

Gene: ELOVL5 (ELOVL fatty acid elongase 5; minus strand). Cytogenetic location: 6p12.1.
Variant type: single nucleotide variant.
Coding change: c.430G>A on transcript NM_021814.5 (MANE Select); coding-DNA position 430, G replaced by A.
Protein change: p.Val144Ile; replaces valine 144 with isoleucine.
Molecular consequence: missense variant.
Genome position (GRCh38, 1-based): chr6:53,275,156, C>T on the plus strand (G>A on the coding strand, the complement: ELOVL5 is on the minus strand). VCF-style: chr6-53275156-C-T. GRCh37 (hg19) VCF-style: chr6-53139954-C-T.
Other names: c.511G>A, p.Val171Ile (NM_001242828.2); c.430G>A, p.Val144Ile (NM_001242830.2, NM_001301856.2); c.511G>A (NM_001242828.1); short protein forms V171I, V144I.
Identifiers: ClinVar variation 2080635 (VCV002080635.5), dbSNP rs201413361, ClinGen allele CA3859724.
Genomic context (GRCh38, chr6:53,275,156, plus strand): 5'-CGCAGGGGACCCAGTTCATCACAAACCACCAGATGTTCAGCATCGAGGCATGGTGGTAGA[C>T]GTGCAGGACCGTGATCTGGTGGTTGTTCTTGCGCAGGATGAAGAAGAAAGTGTCCATAAA-3'
Protein context (NP_068586.1, residues 134-154): KNNHQITVLH[Val144Ile]YHHASMLNIW

ClinVar aggregate classification (germline): Uncertain significance. Review status: criteria provided, multiple submitters, no conflicts (2 of 4 stars). 2 submissions from 2 submitters: Uncertain significance (2). Last evaluated 2025-04-30.

Conditions:
Inborn genetic diseases. Identifiers: MedGen C0950123, MeSH D030342.

Allele frequency attached by ClinVar (database versions not stated): TOPMed below 0.00001; gnomAD exomes below 0.00001; ExAC 0.00002; gnomAD 0.00002.

Submissions (2):

Ambry Genetics
Classification: Uncertain significance for Inborn genetic diseases. Last evaluated: 2025-04-30. Review status: criteria provided, single submitter. Criteria: Ambry Variant Classification Scheme 2023. Collection method: clinical testing. Allele origin: germline.

Labcorp Genetics (formerly Invitae), Labcorp
Classification: Uncertain significance. Last evaluated: 2022-07-03. Review status: criteria provided, single submitter. Criteria: Invitae Variant Classification Sherloc (09022015). Collection method: clinical testing. Allele origin: germline.
Comment: In summary, the available evidence is currently insufficient to determine the role of this variant in disease. Therefore, it has been classified as a Variant of Uncertain Significance. This sequence change replaces valine, which is neutral and non-polar, with isoleucine, which is neutral and non-polar, at codon 144 of the ELOVL5 protein (p.Val144Ile). This variant is present in population databases (rs201413361, gnomAD 0.003%). This variant has not been reported in the literature in individuals affected with ELOVL5-related conditions. Algorithms developed to predict the effect of missense changes on protein structure and function (SIFT, PolyPhen-2, Align-GVGD) all suggest that this variant is likely to be tolerated.